The following is an entry in ClinVar:

NM_025137.4(SPG11):c.2509G>T (p.Asp837Tyr)

Gene: SPG11 (SPG11 vesicle trafficking associated, spatacsin; minus strand). Cytogenetic location: 15q21.1.
Variant type: single nucleotide variant.
Coding change: c.2509G>T on transcript NM_025137.4 (MANE Select); coding-DNA position 2509, G replaced by T.
Protein change: p.Asp837Tyr; replaces aspartic acid 837 with tyrosine.
Molecular consequence: missense variant.
Genome position (GRCh38, 1-based): chr15:44,621,870, C>A on the plus strand (G>T on the coding strand, the complement: SPG11 is on the minus strand). VCF-style: chr15-44621870-C-A. GRCh37 (hg19) VCF-style: chr15-44914068-C-A.
Other names: c.2509G>T, p.Asp837Tyr (NM_001160227.2, NM_001411132.1); short protein forms D837Y.
Identifiers: ClinVar variation 1959532 (VCV001959532.2), dbSNP rs762708084, ClinGen allele CA392231644.

ClinVar aggregate classification (germline): Uncertain significance (1 of 4 stars; one submission).

Conditions:
Hereditary spastic paraplegia 11. Also called: Spastic paraplegia, mental retardation and thin corpus callosum; Spastic Paraplegia 11; Nakamura Osame syndrome; Autosomal recessive hereditary spastic paraplegia, mental impairment, and thin corpus callosum; SPASTIC PARAPLEGIA, AUTOSOMAL RECESSIVE, COMPLICATED, WITH THIN CORPUS CALLOSUM; SPASTIC PARAPLEGIA, AUTOSOMAL RECESSIVE, WITH MENTAL IMPAIRMENT AND THIN CORPUS CALLOSUM. Identifiers: Orphanet 2822, MedGen C1858479, MONDO:0011445, OMIM 604360.

gnomAD v4.1: 5 of 1,613,780 alleles (0.00031%); highest among the groups gnomAD compares: Non-Finnish European, 0.00042%; no homozygotes.

Submission:

Labcorp Genetics (formerly Invitae), Labcorp
Classification: Uncertain significance for Hereditary spastic paraplegia 11. Last evaluated: 2022-05-21. Review status: criteria provided, single submitter. Criteria: Invitae Variant Classification Sherloc (09022015). Collection method: clinical testing. Allele origin: germline.
Comment: This sequence change replaces aspartic acid, which is acidic and polar, with tyrosine, which is neutral and polar, at codon 837 of the SPG11 protein (p.Asp837Tyr). This variant is present in population databases (no rsID available, gnomAD 0.0009%). This variant has not been reported in the literature in individuals affected with SPG11-related conditions. Algorithms developed to predict the effect of missense changes on protein structure and function are either unavailable or do not agree on the potential impact of this missense change (SIFT: "Deleterious"; PolyPhen-2: "Probably Damaging"; Align-GVGD: "Class C0"). Algorithms developed to predict the effect of sequence changes on RNA splicing suggest that this variant may disrupt the consensus splice site. In summary, the available evidence is currently insufficient to determine the role of this variant in disease. Therefore, it has been classified as a Variant of Uncertain Significance.